The following is an entry in ClinVar:

ClinVar aggregate classification (germline): Likely benign. Review status: criteria provided, multiple submitters, no conflicts (2 of 4 stars). 3 submissions from 3 submitters: Likely benign (2). 1 of the submissions does not count toward it. Last evaluated 2025-11-03.

Conditions:
ZBTB24-related disorder. Also called: ZBTB24-related condition.
Immunodeficiency-centromeric instability-facial anomalies syndrome 2 (ICF2). Identifiers: Orphanet 2268, MedGen C3279748, MONDO:0013553, OMIM 614069.

Submissions (4):

Labcorp Genetics (formerly Invitae), Labcorp
Classification: Likely benign for Immunodeficiency-centromeric instability-facial anomalies syndrome 2. Last evaluated: 2025-11-03. Review status: criteria provided, single submitter. Criteria: Invitae Variant Classification Sherloc (09022015). Collection method: clinical testing. Allele origin: germline.

Blueprint Genetics
Classification: Likely benign. Last evaluated: 2023-12-13. Review status: criteria provided, single submitter. Criteria: ACMG Guidelines, 2015. Collection method: clinical testing. Allele origin: germline.

PreventionGenetics, part of Exact Sciences
Classification: Likely benign for ZBTB24-related condition. Last evaluated: 2019-07-11. Review status: no assertion criteria provided. Collection method: clinical testing. Allele origin: germline. Not counted in ClinVar's aggregate classification.
Comment: This variant is classified as likely benign based on ACMG/AMP sequence variant interpretation guidelines (Richards et al. 2015 PMID: 25741868, with internal and published modifications).

Dr. Peter K. Rogan Lab, Western University
No classification provided (evidence only). Condition: Familial cancer of breast. Review status: no classification provided. Collection method: in vitro. Allele origin: not applicable. Functional consequence: retained intron. Not counted in ClinVar's aggregate classification.

NM_014797.3(ZBTB24):c.1289-23GTTTTT[2]

Gene: ZBTB24 (zinc finger and BTB domain containing 24; minus strand). Cytogenetic location: 6q21.
Variant type: Microsatellite.
Coding change: c.1289-23GTTTTT[2] on transcript NM_014797.3 (MANE Select); two copies in a row of the 6-base unit GTTTTT starting at c.1289-23; the reference has three copies in a row; one copy, 6 bases deleted.
Molecular consequence: intron variant.
Genome position (GRCh38, 1-based): chr6:109,467,740-109,467,745, AAAAAC deleted on the plus strand (GTTTTT on the coding strand, the reverse complement: ZBTB24 is on the minus strand); deleting any 6 consecutive bases within chr6:109,467,740-109,467,762 gives the same sequence; the position shown is the placement nearest the transcript's 3' end. VCF-style (leftmost placement, unchanged base first): chr6-109467739-AAAAAAC-A. GRCh37 (hg19) VCF-style: chr6-109788942-AAAAAAC-A.
Other names: NC_000006.11:g.109788960_109788965del; c.1289-11_1289-6delGTTTTT (NM_014797.2); c.1289-28_1289-23del (NM_014797.3).
Identifiers: ClinVar variation 539541 (VCV000539541.14), dbSNP rs765964812, ClinGen allele CA3954104.
Genomic context (GRCh38, chr6:109,467,739, plus strand): 5'-AGAACTCTTTGCTGTGAAAGATTTGCCACAGATTTCACAAGTAAATGGCTTCTCACCTAA[AAAAAAC>A]AAAAACAAAAACAAAAAACCCAAAACAAAAAAACATTTAACAATATACATTCAGAATAAG-3'